The following is an entry in ClinVar:

NM_006306.4(SMC1A):c.277_288del (p.Thr93_Arg96del)

Gene: SMC1A (structural maintenance of chromosomes 1A; minus strand). Cytogenetic location: Xp11.22.
Variant type: Deletion.
Coding change: c.277_288del on transcript NM_006306.4 (MANE Select); coding-DNA positions 277 to 288, 12 bases deleted (ACCTTTGCCCGT).
Protein change: p.Thr93_Arg96del.
Molecular consequence: inframe deletion.
Genome position (GRCh38, 1-based): chrX:53,414,991-53,415,002, ACGGGCAAAGGT deleted on the plus strand (ACCTTTGCCCGT on the coding strand, the reverse complement: SMC1A is on the minus strand); deleting any 12 consecutive bases within chrX:53,414,991-53,415,006 gives the same sequence; the c. name uses the placement nearest the transcript's 3' end. VCF-style (leftmost placement, unchanged base first): chrX-53414990-CACGGGCAAAGGT-C. GRCh37 (hg19) VCF-style: chrX-53441939-CACGGGCAAAGGT-C.
Other names: c.277_288del12 (NM_006306.3); c.211_222del, p.Thr71_Arg74del (NM_001281463.1).
Identifiers: ClinVar variation 2504024 (VCV002504024.1), dbSNP rs2520970438, ClinGen allele CA2580612359.

ClinVar aggregate classification (germline): Likely pathogenic (1 of 4 stars; one submission).

Conditions:
Congenital muscular hypertrophy-cerebral syndrome (CDLS2). Also called: Cornelia de Lange syndrome 2; SMC1A-Related Cornelia de Lange Syndrome. Identifiers: Orphanet 199, MedGen C1802395, MONDO:0010370, OMIM 300590.

Submission:

Women's Health and Genetics/Laboratory Corporation of America, LabCorp
Classification: Likely pathogenic for Congenital muscular hypertrophy-cerebral syndrome. Last evaluated: 2023-04-21. Review status: criteria provided, single submitter. Criteria: LabCorp Variant Classification Summary - May 2015. Collection method: clinical testing. Allele origin: germline.
Comment: Variant summary: SMC1A c.277_288del12 (p.Thr93_Arg96del) results in an in-frame deletion that is predicted to remove four amino acids from the encoded protein. The variant was absent in 181492 control chromosomes (gnomAD). To our knowledge, no occurrence of c.277_288del12 in individuals affected with Congenital Muscular Hypertrophy-Cerebral Syndrome and no experimental evidence demonstrating its impact on protein function have been reported. However, c.287G>C, p.R96P have been reported in an individual affected with Intractable epilepsy (with features of Cornelia de Lange syndrome) and authors reported this occurrence as de novo (PMID 35238682). c.287G>C, p.R96P is also classified likely pathogenic in ClinVar. No clinical diagnostic laboratories have submitted clinical-significance assessments for this variant to ClinVar after 2014. Based on the evidence outlined above, the variant was classified as likely pathogenic.